The following is an entry in ClinVar:

ClinVar aggregate classification (germline): Uncertain significance (1 of 4 stars; one submission).

Conditions:
Compton-North congenital myopathy (CMYO12). Identifiers: Orphanet 210163, MedGen C2675527, MONDO:0012929, OMIM 612540.

gnomAD v4.1: 5 of 1,614,090 alleles (0.00031%); highest among the groups gnomAD compares: South Asian, 0.0044%; no homozygotes.

Submission:

Labcorp Genetics (formerly Invitae), Labcorp
Classification: Uncertain significance for Compton-North congenital myopathy. Last evaluated: 2025-08-04. Review status: criteria provided, single submitter. Criteria: Invitae Variant Classification Sherloc (09022015). Collection method: clinical testing. Allele origin: germline.
Comment: This sequence change replaces asparagine, which is neutral and polar, with serine, which is neutral and polar, at codon 739 of the CNTN1 protein (p.Asn739Ser). This variant is present in population databases (rs777046390, gnomAD 0.006%). This variant has not been reported in the literature in individuals affected with CNTN1-related conditions. Invitae Evidence Modeling of protein sequence and biophysical properties (such as structural, functional, and spatial information, amino acid conservation, physicochemical variation, residue mobility, and thermodynamic stability) indicates that this missense variant is not expected to disrupt CNTN1 protein function with a negative predictive value of 95%. In summary, the available evidence is currently insufficient to determine the role of this variant in disease. Therefore, it has been classified as a Variant of Uncertain Significance.

NM_001843.4(CNTN1):c.2216A>G (p.Asn739Ser)

Gene: CNTN1 (contactin 1; plus strand). Cytogenetic location: 12q12.
Variant type: single nucleotide variant.
Coding change: c.2216A>G on transcript NM_001843.4 (MANE Select); coding-DNA position 2216, A replaced by G.
Protein change: p.Asn739Ser; replaces asparagine 739 with serine.
Molecular consequence: missense variant.
Genome position (GRCh38, 1-based): chr12:41,016,713, A>G. VCF-style: chr12-41016713-A-G. GRCh37 (hg19) VCF-style: chr12-41410515-A-G.
Other names: c.2183A>G, p.Asn728Ser (NM_175038.2); short protein forms N728S, N739S.
Identifiers: ClinVar variation 4700617 (VCV004700617.1).